The following is an entry in ClinVar:

NM_001360016.2(G6PD):c.121-2679C>G

Gene: G6PD (glucose-6-phosphate dehydrogenase; minus strand). Cytogenetic location: Xq28.
Variant type: single nucleotide variant.
Coding change: c.121-2679C>G on transcript NM_001360016.2 (MANE Select); 2679 bases into the intron before coding-DNA position 121, C replaced by G.
Molecular consequence: intron variant.
Genome position (GRCh38, 1-based): chrX:154,538,857, G>C on the plus strand (C>G on the coding strand, the complement: G6PD is on the minus strand). VCF-style: chrX-154538857-G-C. GRCh37 (hg19) VCF-style: chrX-153767071-C-C.
Other names: c.211-2679C>G (NM_000402.4); c.121-2679C>G (NM_001042351.3).
Identifiers: ClinVar variation 1722738 (VCV001722738.2), dbSNP rs2515685, ClinGen allele CA337289259.

ClinVar aggregate classification (germline): Benign (1 of 4 stars; one submission).

Conditions:
Anemia, nonspherocytic hemolytic, due to G6PD deficiency (CNSHA1). Also called: Hemolytic anemia due to G6PD deficiency; Class I glucose-6-phosphate dehydrogenase deficiency; Favism, susceptibility to; ANEMIA, CONGENITAL, NONSPHEROCYTIC HEMOLYTIC, 1. Identifiers: Orphanet 466026, MedGen C2720289, MONDO:0010480, OMIM 300908.

Allele frequency attached by ClinVar (database versions not stated): 1000 Genomes Project 30x 0.84183; TOPMed 0.89498.

Submission:

Dunham Lab, University of Washington
Classification: Benign for Anemia, nonspherocytic hemolytic, due to G6PD deficiency. Last evaluated: 2022-08-12. Review status: criteria provided, single submitter. Criteria: ACMG Guidelines, 2015. Collection method: curation. Allele origin: unknown.
Comment: Variant found at a frequency of over 89% in gnomAD (BA1).